The following is an entry in ClinVar:

ClinVar aggregate classification (germline): Uncertain significance. Review status: criteria provided, multiple submitters, no conflicts (2 of 4 stars). 3 submissions from 3 submitters: Uncertain significance (3). Last evaluated 2026-06-28.

Conditions:
SCN10A-related disorder. Also called: SCN10A-related condition.
Cardiovascular phenotype. Identifiers: MedGen CN230736.
Brugada syndrome. Also called: Sudden Unexplained Nocturnal Death Syndrome (SUNDS); Sudden unexplained nocturnal death syndrome; Sudden Unexplained Death Syndrome; Sudden unexpected nocturnal death syndrome. Identifiers: Orphanet 130, MedGen C1142166, MONDO:0015263.

Allele frequency attached by ClinVar (database versions not stated): ExAC 0.00001; gnomAD exomes 0.00001; gnomAD 0.00002; TOPMed 0.00005; ESP Exome Variant Server 0.00023.
gnomAD v4.1: 6 of 1,613,716 alleles (0.00037%); highest among the groups gnomAD compares: African/African-American, 0.0053%; no homozygotes.

Submissions (3):

PreventionGenetics, part of Exact Sciences
Classification: Uncertain significance for SCN10A-related condition. Last evaluated: 2026-06-28. Review status: criteria provided, single submitter. Criteria: ACMG Guidelines, 2015. Collection method: clinical testing. Allele origin: germline.
Comment: The SCN10A c.3371C>T variant is predicted to result in the amino acid substitution p.Pro1124Leu. To our knowledge, this variant has not been reported in the literature. This variant is reported in 0.012% of alleles in individuals of African descent in gnomAD. At this time, the clinical significance of this variant is uncertain due to the absence of conclusive functional and genetic evidence.

Labcorp Genetics (formerly Invitae), Labcorp
Classification: Uncertain significance for Brugada syndrome. Last evaluated: 2025-09-19. Review status: criteria provided, single submitter. Criteria: Invitae Variant Classification Sherloc (09022015). Collection method: clinical testing. Allele origin: germline.
Comment: This sequence change replaces proline, which is neutral and non-polar, with leucine, which is neutral and non-polar, at codon 1124 of the SCN10A protein (p.Pro1124Leu). This variant is present in population databases (rs143208505, gnomAD 0.01%). This variant has not been reported in the literature in individuals affected with SCN10A-related conditions. ClinVar contains an entry for this variant (Variation ID: 1730742). Invitae Evidence Modeling of protein sequence and biophysical properties (such as structural, functional, and spatial information, amino acid conservation, physicochemical variation, residue mobility, and thermodynamic stability) indicates that this missense variant is not expected to disrupt SCN10A protein function with a negative predictive value of 80%. In summary, the available evidence is currently insufficient to determine the role of this variant in disease. Therefore, it has been classified as a Variant of Uncertain Significance.

Ambry Genetics
Classification: Uncertain significance for Cardiovascular phenotype. Last evaluated: 2025-06-23. Review status: criteria provided, single submitter. Criteria: Ambry Variant Classification Scheme 2023. Collection method: clinical testing. Allele origin: germline.
Comment: The p.P1124L variant (also known as c.3371C>T), located in coding exon 19 of the SCN10A gene, results from a C to T substitution at nucleotide position 3371. The proline at codon 1124 is replaced by leucine, an amino acid with similar properties. This amino acid position is not well conserved in available vertebrate species. In addition, the in silico prediction for this alteration is inconclusive. Since supporting evidence is limited at this time, the clinical significance of this alteration remains unclear.

NM_006514.4(SCN10A):c.3371C>T (p.Pro1124Leu)

Genes: SCN10A (sodium voltage-gated channel alpha subunit 10; minus strand), LOC110121288 (VISTA enhancer hs2268; plus strand). Cytogenetic location: 3p22.2.
Variant type: single nucleotide variant.
Coding change: c.3371C>T on transcript NM_006514.4 (MANE Select); coding-DNA position 3371, C replaced by T.
Protein change: p.Pro1124Leu; replaces proline 1124 with leucine.
Molecular consequence: missense variant.
Genome position (GRCh38, 1-based): chr3:38,722,394, G>A on the plus strand (C>T on the coding strand, the complement: SCN10A is on the minus strand). VCF-style: chr3-38722394-G-A. GRCh37 (hg19) VCF-style: chr3-38763885-G-A.
Other names: c.3368C>T, p.Pro1123Leu (NM_001293306.2); c.3077C>T, p.Pro1026Leu (NM_001293307.2); c.3371C>T (NM_006514.3); short protein forms P1026L, P1124L, P1123L.
Identifiers: ClinVar variation 1730742 (VCV001730742.6), dbSNP rs143208505, ClinGen allele CA2320250.